The following is an entry in ClinVar:

NM_000038.6(APC):c.5873A>C (p.Asn1958Thr)

Gene: APC (APC regulator of Wnt signaling pathway; plus strand). Cytogenetic location: 5q22.2.
Variant type: single nucleotide variant.
Coding change: c.5873A>C on transcript NM_000038.6 (MANE Select); coding-DNA position 5873, A replaced by C.
Protein change: p.Asn1958Thr; replaces asparagine 1958 with threonine.
Molecular consequence: missense variant.
Genome position (GRCh38, 1-based): chr5:112,841,467, A>C. VCF-style: chr5-112841467-A-C. GRCh37 (hg19) VCF-style: chr5-112177164-A-C.
Other names: c.5873A>C, p.Asn1958Thr (NM_001127510.3, NM_001354895.2); c.5819A>C, p.Asn1940Thr (NM_001127511.3); c.5927A>C, p.Asn1976Thr (NM_001354896.2); c.5903A>C, p.Asn1968Thr (NM_001354897.2); c.5798A>C, p.Asn1933Thr (NM_001354898.2); c.5789A>C, p.Asn1930Thr (NM_001354899.2); c.5750A>C, p.Asn1917Thr (NM_001354900.2); c.5696A>C, p.Asn1899Thr (NM_001354901.2); and 5 more; short protein forms N1940T, N1958T, N1917T, N1930T, N1933T, N1968T, N1675T, N1798T.
Identifiers: ClinVar variation 411440 (VCV000411440.16), dbSNP rs1060503306, ClinGen allele CA16034181.
Genomic context (GRCh38, chr5:112,841,467, plus strand): 5'-AAGACATACCAGACAGAGGGGCAGCAACTGATGAAAAGTTACAGAATTTTGCTATTGAAA[A>C]TACTCCGGTTTGCTTTTCTCATAATTCCTCTCTGAGTTCTCTCAGTGACATTGACCAAGA-3'
Protein context (NP_000029.2, residues 1948-1968): DEKLQNFAIE[Asn1958Thr]TPVCFSHNSS

ClinVar aggregate classification (germline): Uncertain significance. Review status: criteria provided, multiple submitters, no conflicts (2 of 4 stars). 5 submissions from 5 submitters: Uncertain significance (5). Last evaluated 2025-08-18.

Conditions:
Familial adenomatous polyposis 1 (FAP1). Also called: FAMILIAL ADENOMATOUS POLYPOSIS 1, ATTENUATED; POLYPOSIS, ADENOMATOUS INTESTINAL. Identifiers: MedGen C2713442, MONDO:0021056, OMIM 175100. Disease mechanism: loss of function.
Hereditary cancer-predisposing syndrome. Also called: Tumor predisposition; Hereditary Cancer Syndrome; Hereditary neoplastic syndrome; Neoplastic Syndromes, Hereditary. Identifiers: Orphanet 140162, MedGen C0027672, MeSH D009386, MONDO:0015356.

Allele frequency attached by ClinVar (database versions not stated): gnomAD exomes below 0.00001; gnomAD 0.00002; TOPMed 0.00002.
gnomAD v4.1: 5 of 1,613,726 alleles (0.00031%); highest among the groups gnomAD compares: African/African-American, 0.0067%; no homozygotes.

Submissions (5):

Labcorp Genetics (formerly Invitae), Labcorp
Classification: Uncertain significance for Familial adenomatous polyposis 1. Last evaluated: 2025-08-18. Review status: criteria provided, single submitter. Criteria: Invitae Variant Classification Sherloc (09022015). Collection method: clinical testing. Allele origin: germline.
Comment: This sequence change replaces asparagine, which is neutral and polar, with threonine, which is neutral and polar, at codon 1958 of the APC protein (p.Asn1958Thr). This variant is present in population databases (no rsID available, gnomAD 0.007%). This variant has not been reported in the literature in individuals affected with APC-related conditions. ClinVar contains an entry for this variant (Variation ID: 411440). Invitae Evidence Modeling of protein sequence and biophysical properties (such as structural, functional, and spatial information, amino acid conservation, physicochemical variation, residue mobility, and thermodynamic stability) indicates that this missense variant is not expected to disrupt APC protein function with a negative predictive value of 95%. In summary, the available evidence is currently insufficient to determine the role of this variant in disease. Therefore, it has been classified as a Variant of Uncertain Significance.

Ambry Genetics
Classification: Uncertain significance for Hereditary cancer-predisposing syndrome. Last evaluated: 2025-01-23. Review status: criteria provided, single submitter. Criteria: Ambry Variant Classification Scheme 2023. Collection method: clinical testing. Allele origin: germline.
Comment: The p.N1958T variant (also known as c.5873A>C), located in coding exon 15 of the APC gene, results from an A to C substitution at nucleotide position 5873. The asparagine at codon 1958 is replaced by threonine, an amino acid with similar properties. This amino acid position is well conserved in available vertebrate species. In addition, in silico predictors for this gene do not accurately predict pathogenicity. Missense alterations in APC are not a common cause of disease (Spier I et al. Genet Med. 2024 Feb;26(2):100992). Based on the available evidence, the clinical significance of this variant remains unclear.

Baylor Genetics
Classification: Uncertain significance for Familial adenomatous polyposis 1. Last evaluated: 2023-10-17. Review status: criteria provided, single submitter. Criteria: ACMG Guidelines, 2015. Collection method: clinical testing. Allele origin: unknown.

Sema4
Classification: Uncertain significance for Hereditary cancer-predisposing syndrome. Last evaluated: 2021-10-20. Review status: criteria provided, single submitter. Criteria: Sema4 Curation Guidelines. Collection method: curation. Allele origin: germline.
Comment: The APC c.5873A>C (p.N1958T) variant has not been reported in the literature to our knowledge. It was observed in 1/16228 chromosomes of the African/African American subpopulation in the large and broad cohorts of the Genome Aggregation Database (PMID: 32461654). The variant has been reported in ClinVar (Variation ID 411440). Functional studies have not been performed, and in silico predictions of the variant's effect on protein function are inconclusive. The evidence is insufficient to meet ACMG/AMP criteria for classifying the variant as benign or pathogenic. Thus, the clinical significance of this variant is currently uncertain.

GeneDx
Classification: Uncertain significance. Last evaluated: 2019-11-05. Review status: criteria provided, single submitter. Criteria: GeneDx Variant Classification Process June 2021. Collection method: clinical testing. Allele origin: germline. Affected: yes.
Comment: In silico analysis, which includes protein predictors and evolutionary conservation, supports that this variant does not alter protein structure/function; Has not been previously published as pathogenic or benign to our knowledge